The following is an entry in ClinVar:

ClinVar aggregate classification (germline): Uncertain significance. Review status: criteria provided, multiple submitters, no conflicts (2 of 4 stars). 2 submissions from 2 submitters: Uncertain significance (2). Last evaluated 2025-09-28.

Conditions:
Inborn genetic diseases. Identifiers: MedGen C0950123, MeSH D030342.
Nemaline myopathy 10 (NEM10). Identifiers: MedGen C4015360, MONDO:0014513, OMIM 616165.

Submissions (2):

Ambry Genetics
Classification: Uncertain significance for Inborn genetic diseases. Last evaluated: 2025-09-28. Review status: criteria provided, single submitter. Criteria: Ambry Variant Classification Scheme 2023. Collection method: clinical testing. Allele origin: germline.

Labcorp Genetics (formerly Invitae), Labcorp
Classification: Uncertain significance for Nemaline myopathy 10. Last evaluated: 2024-01-08. Review status: criteria provided, single submitter. Criteria: Invitae Variant Classification Sherloc (09022015). Collection method: clinical testing. Allele origin: germline.
Comment: This sequence change replaces serine, which is neutral and polar, with isoleucine, which is neutral and non-polar, at codon 138 of the LMOD3 protein (p.Ser138Ile). This variant is not present in population databases (gnomAD no frequency). This variant has not been reported in the literature in individuals affected with LMOD3-related conditions. ClinVar contains an entry for this variant (Variation ID: 956431). An algorithm developed to predict the effect of missense changes on protein structure and function (PolyPhen-2) suggests that this variant¬†is likely to be tolerated. In summary, the available evidence is currently insufficient to determine the role of this variant in disease. Therefore, it has been classified as a Variant of Uncertain Significance.

NM_198271.5(LMOD3):c.413G>T (p.Ser138Ile)

Gene: LMOD3 (leiomodin 3; minus strand). Cytogenetic location: 3p14.1.
Variant type: single nucleotide variant.
Coding change: c.413G>T on transcript NM_198271.5 (MANE Select); coding-DNA position 413, G replaced by T.
Protein change: p.Ser138Ile; replaces serine 138 with isoleucine.
Molecular consequence: missense variant.
Genome position (GRCh38, 1-based): chr3:69,119,942, C>A on the plus strand (G>T on the coding strand, the complement: LMOD3 is on the minus strand). VCF-style: chr3-69119942-C-A. GRCh37 (hg19) VCF-style: chr3-69169093-C-A.
Other names: c.413G>T (NM_198271.3); c.413G>T, p.Ser138Ile (NM_001304418.3); short protein forms S138I.
Identifiers: ClinVar variation 956431 (VCV000956431.6), dbSNP rs2092399518, ClinGen allele CA353476873.